The following is an entry in ClinVar:

NM_000051.4(ATM):c.7978G>A (p.Glu2660Lys)

Genes: ATM (ATM serine/threonine kinase; plus strand), C11orf65 (chromosome 11 open reading frame 65; minus strand). Cytogenetic location: 11q22.3.
Variant type: single nucleotide variant.
Coding change: c.7978G>A on transcript NM_000051.4 (MANE Select); coding-DNA position 7978, G replaced by A.
Protein change: p.Glu2660Lys; replaces glutamic acid 2660 with lysine.
Molecular consequence: missense variant. On other transcripts: intron variant (2).
Genome position (GRCh38, 1-based): chr11:108,333,936, G>A. VCF-style: chr11-108333936-G-A. GRCh37 (hg19) VCF-style: chr11-108204663-G-A.
Other names: c.7978G>A, p.Glu2660Lys (NM_001351834.2); c.641-24865C>T (NM_001330368.2); c.*38+1284C>T (NM_001351110.2); short protein forms E2660K.
Identifiers: ClinVar variation 3009255 (VCV003009255.3), dbSNP rs2136615248, ClinGen allele CA382561751.

ClinVar aggregate classification (germline): Uncertain significance (1 of 4 stars; one submission).

Conditions:
Ataxia-telangiectasia syndrome (AT). Also called: ATAXIA-TELANGIECTASIA, COMPLEMENTATION GROUP A; ATAXIA-TELANGIECTASIA, FRESNO VARIANT; Ataxia-telangiectasia; Ataxia-telangiectasia, complementation group E; LOUIS-BAR SYNDROME; Cerebello-oculocutaneous telangiectasia. Identifiers: Orphanet 100, MedGen C0004135, MONDO:0008840, OMIM 208900.

Submission:

Labcorp Genetics (formerly Invitae), Labcorp
Classification: Uncertain significance for Ataxia-telangiectasia syndrome. Last evaluated: 2023-02-14. Review status: criteria provided, single submitter. Criteria: Invitae Variant Classification Sherloc (09022015). Collection method: clinical testing. Allele origin: germline.
Comment: This sequence change replaces glutamic acid, which is acidic and polar, with lysine, which is basic and polar, at codon 2660 of the ATM protein (p.Glu2660Lys). This variant is not present in population databases (gnomAD no frequency). This variant has not been reported in the literature in individuals affected with ATM-related conditions. Algorithms developed to predict the effect of missense changes on protein structure and function (SIFT, PolyPhen-2, Align-GVGD) all suggest that this variant is likely to be tolerated. In summary, the available evidence is currently insufficient to determine the role of this variant in disease. Therefore, it has been classified as a Variant of Uncertain Significance.